The following is an entry in ClinVar:

NM_181808.4(POLN):c.2267G>A (p.Arg756Gln)

Gene: POLN (DNA polymerase nu; minus strand). Cytogenetic location: 4p16.3.
Variant type: single nucleotide variant.
Coding change: c.2267G>A on transcript NM_181808.4 (MANE Select); coding-DNA position 2267, G replaced by A.
Protein change: p.Arg756Gln; replaces arginine 756 with glutamine.
Molecular consequence: missense variant.
Genome position (GRCh38, 1-based): chr4:2,081,674, C>T on the plus strand (G>A on the coding strand, the complement: POLN is on the minus strand). VCF-style: chr4-2081674-C-T. GRCh37 (hg19) VCF-style: chr4-2083401-C-T.
Other names: short protein forms R756Q.
Identifiers: ClinVar variation 161845 (VCV000161845.2), dbSNP rs193920976, ClinGen allele CA174896.

ClinVar aggregate classification (germline): Uncertain significance (0 of 4 stars; one submission).

Conditions:
Prostate cancer. Also called: Malignant tumor of prostate. Identifiers: Orphanet 1331, MedGen C0376358, MONDO:0008315, HP:0012125.

Allele frequency attached by ClinVar (database versions not stated): gnomAD 0.00003 and 0.00002; ESP Exome Variant Server 0.00008; gnomAD exomes 0.00001 and 0.00002; TOPMed 0.00003; ExAC 0.00003.
gnomAD v4.1: 19 of 1,614,032 alleles (0.0012%); highest among the groups gnomAD compares: East Asian, 0.0067%; no homozygotes.

Submission:

Science for Life laboratory,  Karolinska Institutet
Classification: Uncertain significance for Malignant tumor of prostate. Review status: no assertion criteria provided. Collection method: not provided. Allele origin: somatic.
Comment: TumorID:SWE-4
ClinVar note: Converted during submission from Unknown to Uncertain significance.